The following is an entry in ClinVar:

NM_014244.5(ADAMTS2):c.292C>G (p.Pro98Ala)

Gene: ADAMTS2 (ADAM metallopeptidase with thrombospondin type 1 motif 2; minus strand). Cytogenetic location: 5q35.3.
Variant type: single nucleotide variant.
Coding change: c.292C>G on transcript NM_014244.5 (MANE Select); coding-DNA position 292, C replaced by G.
Protein change: p.Pro98Ala; replaces proline 98 with alanine.
Molecular consequence: missense variant.
Genome position (GRCh38, 1-based): chr5:179,344,009, G>C on the plus strand (C>G on the coding strand, the complement: ADAMTS2 is on the minus strand). VCF-style: chr5-179344009-G-C. GRCh37 (hg19) VCF-style: chr5-178771010-G-C.
Other names: c.292C>G (NM_014244.4); c.292C>G, p.Pro98Ala (NM_021599.4); short protein forms P98A.
Identifiers: ClinVar variation 1462360 (VCV001462360.9), dbSNP rs2127463418, ClinGen allele CA362623072.

ClinVar aggregate classification (germline): Uncertain significance. Review status: criteria provided, multiple submitters, no conflicts (2 of 4 stars). 2 submissions from 2 submitters: Uncertain significance (2). Last evaluated 2024-05-07.

Conditions:
Inborn genetic diseases. Identifiers: MedGen C0950123, MeSH D030342.
Ehlers-Danlos syndrome, dermatosparaxis type. Also called: Dermatosparaxis; Ehlers-Danlos syndrome, type VII, autosomal recessive; EDS VIIC. Identifiers: Orphanet 1901, MedGen C2700425, MONDO:0009161, OMIM 225410.

Submissions (2):

Ambry Genetics
Classification: Uncertain significance for Inborn genetic diseases. Last evaluated: 2024-05-07. Review status: criteria provided, single submitter. Criteria: Ambry Variant Classification Scheme 2023. Collection method: clinical testing. Allele origin: germline.

Labcorp Genetics (formerly Invitae), Labcorp
Classification: Uncertain significance for Ehlers-Danlos syndrome, dermatosparaxis type. Last evaluated: 2020-12-21. Review status: criteria provided, single submitter. Criteria: Invitae Variant Classification Sherloc (09022015). Collection method: clinical testing. Allele origin: germline.
Comment: Algorithms developed to predict the effect of missense changes on protein structure and function (SIFT, PolyPhen-2, Align-GVGD) all suggest that this variant is likely to be tolerated, but these predictions have not been confirmed by published functional studies and their clinical significance is uncertain. In summary, the available evidence is currently insufficient to determine the role of this variant in disease. Therefore, it has been classified as a Variant of Uncertain Significance. This sequence change replaces proline with alanine at codon 98 of the ADAMTS2 protein (p.Pro98Ala). The proline residue is moderately conserved and there is a small physicochemical difference between proline and alanine. This variant is not present in population databases (ExAC no frequency). This variant has not been reported in the literature in individuals with ADAMTS2-related conditions.